The following is an entry in ClinVar:

NM_023936.2(MRPS34):c.322-10G>A

Gene: MRPS34 (mitochondrial ribosomal protein S34; minus strand). Cytogenetic location: 16p13.3.
Variant type: single nucleotide variant.
Coding change: c.322-10G>A on transcript NM_023936.2 (MANE Select); 10 bases into the intron before coding-DNA position 322, G replaced by A.
Molecular consequence: intron variant.
Genome position (GRCh38, 1-based): chr16:1,772,656, C>T on the plus strand (G>A on the coding strand, the complement: MRPS34 is on the minus strand). VCF-style: chr16-1772656-C-T. GRCh37 (hg19) VCF-style: chr16-1822657-C-T.
Other names: IVS2AS, G-A, -10 (rs563189672); c.322-10G>A (NM_001300900.2, NM_001300900.1).
Identifiers: ClinVar variation 438633 (VCV000438633.19), dbSNP rs563189672, ClinGen allele CA7818400.
Genomic context (GRCh38, chr16:1,772,656, plus strand): 5'-AGCCTTACCTTTGAAGGTCAGGATGCCCCAGGCCTTCCCGTGGTCCAAGTTCTGCAAAGC[C>T]AGAAGGAAGCGGGGTCAGCTCGCAAAGCTCTCGGCCCCCGAGGTCAGGAGGTGGGAGCCT-3'

ClinVar aggregate classification (germline): Pathogenic. Review status: criteria provided, multiple submitters, no conflicts (2 of 4 stars). 7 submissions from 7 submitters: Pathogenic (5). 2 of the submissions do not count toward it. Last evaluated 2026-09-03.

Conditions:
MRPS34-related disorder. Also called: MRPS34-related condition.
Combined oxidative phosphorylation deficiency 32 (COXPD32). Identifiers: MedGen C4540029, MONDO:0054654, OMIM 617664.

Allele frequency attached by ClinVar (database versions not stated): ExAC 0.00001; gnomAD exomes 0.00001; gnomAD 0.00013 and 0.00015; 1000 Genomes Project 30x 0.00031; TOPMed 0.00037; 1000 Genomes Project 0.00040.
gnomAD v4.1: 34 of 1,604,034 alleles (0.0021%); highest among the groups gnomAD compares: Admixed American, 0.047%; no homozygotes.

Submissions (8):

PreventionGenetics, part of Exact Sciences
Classification: Pathogenic for MRPS34-related condition. Last evaluated: 2026-09-03. Review status: criteria provided, single submitter. Criteria: ACMG Guidelines, 2015. Collection method: clinical testing. Allele origin: germline.
Comment: The MRPS34 c.322-10G>A variant is predicted to interfere with splicing. This variant has been reported in the homozygous state in five patients with Leigh syndrome from three apparently unrelated families (Lake et al. 2017. PubMed ID: 28777931; Table S1, Alves et al. 2020. PubMed ID: 32445240) and in a patient with a primary mitochondrial disorder (Martin-Saavedra et al. 2021. PubMed ID: 34052969). In vitro functional studies demonstrated this variant led to aberrant splicing (Lake et al. 2017. PubMed ID: 28777931). This variant is reported in 0.0029% of alleles in individuals of Latino descent in gnomAD. This variant is interpreted as pathogenic.

Labcorp Genetics (formerly Invitae), Labcorp
Classification: Pathogenic. Last evaluated: 2025-12-02. Review status: criteria provided, single submitter. Criteria: Invitae Variant Classification Sherloc (09022015). Collection method: clinical testing. Allele origin: germline.
Comment: This sequence change falls in intron 1 of the MRPS34 gene. It does not directly change the encoded amino acid sequence of the MRPS34 protein. This variant is present in population databases (rs563189672, gnomAD 0.006%). This variant has been observed in individual(s) with combined oxidative phosphorylation deficiency (PMID: 28777931). It has also been observed to segregate with disease in related individuals. ClinVar contains an entry for this variant (Variation ID: 438633). Algorithms developed to predict the effect of sequence changes on RNA splicing suggest that this variant may disrupt the consensus splice site. For these reasons, this variant has been classified as Pathogenic.

Women's Health and Genetics/Laboratory Corporation of America, LabCorp
Classification: Pathogenic for Combined oxidative phosphorylation deficiency 32. Last evaluated: 2023-09-28. Review status: criteria provided, single submitter. Criteria: LabCorp Variant Classification Summary - May 2015. Collection method: clinical testing. Allele origin: germline.
Comment: Variant summary: MRPS34 c.322-10G>A alters a non-conserved nucleotide located at a position not widely known to affect splicing. Several computational tools predict a significant impact on normal splicing: Two predict the variant abolishes the 3' canonical acceptor site. One predict the variant weakens the 3' canonical acceptor site. Four predict the variant creates a 3' cryptic acceptor site. At least one publication reports experimental evidence that this variant affects mRNA splicing by producing abnormal transcripts that result in frameshift and premature truncation, respectively (Lake_2017). The variant allele was found at a frequency of 8.4e-06 in 239276 control chromosomes. c.322-10G>A has been reported at a homozygous state in multiple individuals affected with Leigh Syndrome (examples, MartinSaavedra_2021, Alves_2020, Lake_2017). These data indicate that the variant is very likely to be associated with Combined Oxidative Phosphorylation Deficiency 32. The following publications have been ascertained in the context of this evaluation (PMID: 32445240, 28777931, 34052969). Five submitters have cited clinical-significance assessments for this variant to ClinVar after 2014. All submitters classified the variant as pathogenic. Based on the evidence outlined above, the variant was classified as pathogenic.

Baylor Genetics
Classification: Pathogenic for Combined oxidative phosphorylation deficiency 32. Last evaluated: 2022-09-27. Review status: criteria provided, single submitter. Criteria: ACMG Guidelines, 2015. Collection method: clinical testing. Allele origin: unknown.

GeneDx
Classification: Pathogenic. Last evaluated: 2022-02-19. Review status: criteria provided, single submitter. Criteria: GeneDx Variant Classification Process June 2021. Collection method: clinical testing. Allele origin: germline. Affected: yes.
Comment: Published functional studies demonstrate abnormal splicing resulting in a frameshift and premature truncation with 75% reduction in transcript level (Lake et al., 2017); Not observed at a significant frequency in large population cohorts (gnomAD); This variant is associated with the following publications: (PMID: 28777931, 33314036, 30358850, 32445240)

Undiagnosed Diseases Network, NIH
Classification: Pathogenic for Combined oxidative phosphorylation deficiency 32. Last evaluated: 2022-10-21. Review status: no assertion criteria provided. Collection method: clinical testing. Allele origin: biparental. Affected: yes. Observed: 1 variant allele, 1 homozygote. Study: Undiagnosed Diseases Network (NIH), UDN. Not counted in ClinVar's aggregate classification.

OMIM
Classification: Pathogenic for COMBINED OXIDATIVE PHOSPHORYLATION DEFICIENCY 32. Last evaluated: 2017-09-15. Review status: no assertion criteria provided. Collection method: literature only. Allele origin: germline. Not counted in ClinVar's aggregate classification.

Dr. Peter K. Rogan Lab, Western University
No classification provided (evidence only). Condition: Ovarian serous cystadenocarcinoma. Review status: no classification provided. Collection method: in vitro. Allele origin: not applicable. Functional consequence: retained intron. Not counted in ClinVar's aggregate classification.

Literature cited by the submitters: PubMed 28777931 (cited by 3 submitters); PubMed 32445240 (cited by Women's Health and Genetics/Laboratory Corporation of America, LabCorp); PubMed 34052969 (cited by Women's Health and Genetics/Laboratory Corporation of America, LabCorp).